The following is an entry in ClinVar:

NM_017986.4(SLC52A1):c.323A>G (p.Gln108Arg)

Gene: SLC52A1 (solute carrier family 52 member 1; minus strand). Cytogenetic location: 17p13.2.
Variant type: single nucleotide variant.
Coding change: c.323A>G on transcript NM_017986.4 (MANE Select); coding-DNA position 323, A replaced by G.
Protein change: p.Gln108Arg; replaces glutamine 108 with arginine.
Molecular consequence: missense variant.
Genome position (GRCh38, 1-based): chr17:5,034,166, T>C on the plus strand (A>G on the coding strand, the complement: SLC52A1 is on the minus strand). VCF-style: chr17-5034166-T-C. GRCh37 (hg19) VCF-style: chr17-4937461-T-C.
Other names: c.323A>G, p.Gln108Arg (NM_001104577.2); short protein forms Q108R.
Identifiers: ClinVar variation 3669006 (VCV003669006.2).
Genomic context (GRCh38, chr17:5,034,166, plus strand): 5'-GAGGTACAACAGGCCATTGCCAACACCAAGGCCAGAGTTAGGAAGGCCACAGAGTGGAGC[T>C]GCCCTGCCACTGGGGCCACGTGGTGCCACAGAGGGGCCAGCAGGGCTGTGCCCACTACAC-3'
Protein context (NP_060456.3, residues 98-118): LWHHVAPVAG[Gln108Arg]LHSVAFLTLA

ClinVar aggregate classification (germline): Uncertain significance (1 of 4 stars; one submission).

Conditions:
Vitamin B2 deficiency. Identifiers: MedGen C0035528.

Submission:

Labcorp Genetics (formerly Invitae), Labcorp
Classification: Uncertain significance for Vitamin B2 deficiency. Last evaluated: 2025-02-03. Review status: criteria provided, single submitter. Criteria: Invitae Variant Classification Sherloc (09022015). Collection method: clinical testing. Allele origin: germline.
Comment: This sequence change replaces glutamine, which is neutral and polar, with arginine, which is basic and polar, at codon 108 of the SLC52A1 protein (p.Gln108Arg). This variant is not present in population databases (gnomAD no frequency). This variant has not been reported in the literature in individuals affected with SLC52A1-related conditions. Invitae Evidence Modeling of protein sequence and biophysical properties (such as structural, functional, and spatial information, amino acid conservation, physicochemical variation, residue mobility, and thermodynamic stability) indicates that this missense variant is not expected to disrupt SLC52A1 protein function with a negative predictive value of 80%. In summary, the available evidence is currently insufficient to determine the role of this variant in disease. Therefore, it has been classified as a Variant of Uncertain Significance.